The following is an entry in ClinVar:

NM_003383.5(VLDLR):c.640G>A (p.Asp214Asn)

Gene: VLDLR (very low density lipoprotein receptor; plus strand). Cytogenetic location: 9p24.2.
Variant type: single nucleotide variant.
Coding change: c.640G>A on transcript NM_003383.5 (MANE Select); coding-DNA position 640, G replaced by A.
Protein change: p.Asp214Asn; replaces aspartic acid 214 with asparagine.
Molecular consequence: missense variant.
Genome position (GRCh38, 1-based): chr9:2,643,351, G>A. VCF-style: chr9-2643351-G-A. GRCh37 (hg19) VCF-style: chr9-2643351-G-A.
Other names: c.640G>A, p.Asp214Asn (NM_001018056.3); c.517G>A, p.Asp173Asn (NM_001322225.2, NM_001322226.2); short protein forms D214N, D173N.
Identifiers: ClinVar variation 912551 (VCV000912551.5), dbSNP rs113347960, ClinGen allele CA4964587.

ClinVar aggregate classification (germline): Uncertain significance. Review status: criteria provided, multiple submitters, no conflicts (2 of 4 stars). 2 submissions from 2 submitters: Uncertain significance (2). Last evaluated 2022-09-26.

Conditions:
Cerebellar ataxia, impaired intellectual development, and dysequilibrium syndrome 1. Also called: Cerebellar ataxia, intellectual disability, and dysequilibrium syndrome 1; Cerebellar ataxia, mental retardation, and dysequilibrium syndrome 1; VLDLR Cerebellar Hypoplasia; Cerebellar hypoplasia and mental retardation with or without quadrupedal locomotion 1; CEREBELLAR ATAXIA AND MENTAL RETARDATION WITH OR WITHOUT QUADRUPEDAL LOCOMOTION 1; CEREBELLAR ATAXIA, CONGENITAL, AND MENTAL RETARDATION, AUTOSOMAL RECESSIVE. Identifiers: Orphanet 1766, MedGen C4551552, MONDO:0024542, OMIM 224050.

Allele frequency attached by ClinVar (database versions not stated): gnomAD exomes 0.00003 and 0.00005; gnomAD 0.00005; ExAC 0.00005; TOPMed 0.00005; ESP Exome Variant Server 0.00008.
gnomAD v4.1: 78 of 1,614,018 alleles (0.0048%); highest among the groups gnomAD compares: African/African-American, 0.04%; no homozygotes.

Submissions (2):

Labcorp Genetics (formerly Invitae), Labcorp
Classification: Uncertain significance. Last evaluated: 2022-09-26. Review status: criteria provided, single submitter. Criteria: Invitae Variant Classification Sherloc (09022015). Collection method: clinical testing. Allele origin: germline.
Comment: This sequence change replaces aspartic acid, which is acidic and polar, with asparagine, which is neutral and polar, at codon 214 of the VLDLR protein (p.Asp214Asn). This variant is present in population databases (rs113347960, gnomAD 0.03%). This variant has not been reported in the literature in individuals affected with VLDLR-related conditions. ClinVar contains an entry for this variant (Variation ID: 912551). Advanced modeling of protein sequence and biophysical properties (such as structural, functional, and spatial information, amino acid conservation, physicochemical variation, residue mobility, and thermodynamic stability) performed at Invitae indicates that this missense variant is not expected to disrupt VLDLR protein function. In summary, the available evidence is currently insufficient to determine the role of this variant in disease. Therefore, it has been classified as a Variant of Uncertain Significance.

Illumina Laboratory Services, Illumina
Classification: Uncertain significance for Cerebellar ataxia, impaired intellectual development, and dysequilibrium syndrome 1. Last evaluated: 2018-01-12. Review status: criteria provided, single submitter. Criteria: ICSL Variant Classification Criteria 13 December 2019. Collection method: clinical testing. Allele origin: germline.